The following is an entry in ClinVar:

NM_024809.5(TCTN2):c.810C>T (p.Asp270=)

Gene: TCTN2 (tectonic family member 2; plus strand). Cytogenetic location: 12q24.31.
Variant type: single nucleotide variant.
Coding change: c.810C>T on transcript NM_024809.5 (MANE Select); coding-DNA position 810, C replaced by T.
Protein change: p.Asp270=; no amino-acid change (aspartic acid 270 retained).
Molecular consequence: synonymous variant.
Genome position (GRCh38, 1-based): chr12:123,688,096, C>T. VCF-style: chr12-123688096-C-T. GRCh37 (hg19) VCF-style: chr12-124172643-C-T.
Other names: p.Asp270=; c.807C>T, p.Asp269= (NM_001143850.3).
Identifiers: ClinVar variation 198593 (VCV000198593.52), dbSNP rs144567556, ClinGen allele CA203516.
Genomic context (GRCh38, chr12:123,688,096, plus strand): 5'-CTTATTGATTTTCAGTTCCCCCAAACAGGACTCTTCCTTTGAAGTATATGTGGATACTGA[C>T]GCAAAAGACTTTGCAGACTTTGGTTACAAACAAGGAGATCCCATTATGACTGTAAAGAAG-3'
Protein context (NP_079085.2, residues 260-280): DSSFEVYVDT[Asp270=]AKDFADFGYK

ClinVar aggregate classification (germline): Conflicting classifications of pathogenicity. Review status: criteria provided, conflicting classifications (1 of 4 stars). 10 submissions from 9 submitters: Uncertain significance (1); Benign (2); Likely benign (7). Last evaluated 2026-09-01.

Conditions:
Joubert syndrome 24 (JBTS24). Identifiers: Orphanet 475, MedGen C4084841, MONDO:0014724, OMIM 616654.
Joubert syndrome. Also called: JOUBERT-BOLTSHAUSER SYNDROME; Familial aplasia of the vermis. Identifiers: Orphanet 475, MedGen C5979921, MONDO:0018772.
Meckel-Gruber syndrome. Also called: DYSENCEPHALIA SPLANCHNOCYSTICA; GRUBER SYNDROME; Dysencephalia splachnocystica. Identifiers: Orphanet 564, MedGen C0265215, MONDO:0018921.
Meckel syndrome, type 8. Identifiers: Orphanet 564, MedGen C3836857, MONDO:0013482, OMIM 613885.

Allele frequency attached by ClinVar (database versions not stated): 1000 Genomes Project 0.00160; 1000 Genomes Project 30x 0.00187; ExAC 0.00354; gnomAD exomes 0.00376; ESP Exome Variant Server 0.00538.
gnomAD v4.1: 10,111 of 1,613,986 alleles (0.63%); highest among the groups gnomAD compares: Non-Finnish European, 0.78%; 46 homozygotes.

Submissions (10):

CeGaT Center for Human Genetics Tuebingen
Classification: Likely benign. Last evaluated: 2026-09-01. Review status: criteria provided, single submitter. Criteria: CeGaT Center For Human Genetics Tuebingen Variant Classification Criteria Version 2. Collection method: clinical testing. Allele origin: germline. Affected: yes. Observed: 21 variant alleles.
Comment: TCTN2: BP4, BP7, BS2

Labcorp Genetics (formerly Invitae), Labcorp
Classification: Benign for Joubert syndrome; Meckel-Gruber syndrome. Last evaluated: 2026-02-02. Review status: criteria provided, single submitter. Criteria: Invitae Variant Classification Sherloc (09022015). Collection method: clinical testing. Allele origin: germline.

Mayo Clinic Laboratories, Mayo Clinic
Classification: Likely benign. Last evaluated: 2025-02-03. Review status: criteria provided, single submitter. Criteria: ACMG Guidelines, 2015. Collection method: clinical testing. Allele origin: germline. Observed: 1 variant allele.
Comment: BS1, BP4, BP7

Blueprint Genetics
Classification: Likely benign. Last evaluated: 2024-11-07. Review status: criteria provided, single submitter. Criteria: ACMG Guidelines, 2015. Collection method: clinical testing. Allele origin: germline.

GeneDx
Classification: Benign. Last evaluated: 2020-11-08. Review status: criteria provided, single submitter. Criteria: GeneDx Variant Classification Process June 2021. Collection method: clinical testing. Allele origin: germline. Affected: yes.

Illumina Laboratory Services, Illumina
Classification: Likely benign for Joubert syndrome 24. Last evaluated: 2018-01-13. Review status: criteria provided, single submitter. Criteria: ICSL Variant Classification Criteria 13 December 2019. Collection method: clinical testing. Allele origin: germline.
Comment: This variant was observed in the ICSL laboratory as part of a predisposition screen in an ostensibly healthy population. It had not been previously curated by ICSL or reported in the Human Gene Mutation Database (HGMD: prior to June 1st, 2018), and was therefore a candidate for classification through an automated scoring system. Utilizing variant allele frequency, disease prevalence and penetrance estimates, and inheritance mode, an automated score was calculated to assess if this variant is too frequent to cause the disease. Based on the score and internal cut-off values, a variant classified as likely benign is not then subjected to further curation. The score for this variant resulted in a classification of likely benign for this disease.

Illumina Laboratory Services, Illumina
Classification: Uncertain significance for Meckel syndrome, type 8. Last evaluated: 2018-01-13. Review status: criteria provided, single submitter. Criteria: ICSL Variant Classification Criteria 13 December 2019. Collection method: clinical testing. Allele origin: germline.

Genetic Services Laboratory, University of Chicago
Classification: Likely benign. Last evaluated: 2015-09-22. Review status: criteria provided, single submitter. Criteria: ACMG Guidelines, 2015. Collection method: clinical testing. Allele origin: germline. Affected: no.

Eurofins Ntd Llc (ga)
Classification: Likely benign. Last evaluated: 2015-01-30. Review status: criteria provided, single submitter. Criteria: EGL Classification Definitions 2015. Collection method: clinical testing. Allele origin: germline. Observed: 1 variant allele, 1 heterozygote.

PreventionGenetics, part of Exact Sciences
Classification: Likely benign. Review status: criteria provided, single submitter. Criteria: ACMG Guidelines, 2015. Collection method: clinical testing. Allele origin: germline.